The following is an entry in ClinVar:

ClinVar aggregate classification (germline): Likely pathogenic (1 of 4 stars; one submission).

Conditions:
Hereditary breast ovarian cancer syndrome. Also called: Hereditary breast and ovarian cancer syndrome; Hereditary breast and ovarian cancer; Hereditary breast and/or ovarian cancer syndrome; Hereditary breast and ovarian cancer syndrome (HBOC); Breast and ovarian cancer; BRCA1- and BRCA2-Associated Hereditary Breast and Ovarian Cancer. Identifiers: Orphanet 145, MedGen C0677776, MeSH D061325, MONDO:0003582. Disease mechanism: loss of function.

Submission:

Labcorp Genetics (formerly Invitae), Labcorp
Classification: Likely pathogenic for Hereditary breast ovarian cancer syndrome. Last evaluated: 2021-12-30. Review status: criteria provided, single submitter. Criteria: Invitae Variant Classification Sherloc (09022015). Collection method: clinical testing. Allele origin: germline.
Comment: This variant results in a copy number gain of the genomic region encompassing exon(s) 3-8 of the BRCA2 gene. While the exact position of this variant cannot be determined from the data, sub-genic copy number gains are generally in tandem (PMID: 25640679). This variant is predicted to be out-of-frame, and may result in an absent or disrupted protein product. Loss-of-function variants in BRCA2 are known to be pathogenic (PMID: 20104584). This variant has not been reported in the literature in individuals affected with BRCA2-related conditions. In summary, the currently available evidence indicates that the variant is pathogenic, but additional data are needed to prove that conclusively. Therefore, this variant has been classified as Likely Pathogenic.

Literature cited by the submitters: PubMed 25640679; PubMed 20104584.

NC_000013.10:g.(?_32893194)_(32903649_?)dup

Gene: BRCA2 (BRCA2 DNA repair associated; plus strand). Cytogenetic location: 13q13.1.
Variant type: Duplication.
Identifiers: ClinVar variation 2422276 (VCV002422276.6).